The following is an entry in ClinVar:

NM_017947.4(MOCOS):c.881C>T (p.Thr294Ile)

Gene: MOCOS (molybdenum cofactor sulfurase; plus strand). Cytogenetic location: 18q12.2.
Variant type: single nucleotide variant.
Coding change: c.881C>T on transcript NM_017947.4 (MANE Select); coding-DNA position 881, C replaced by T.
Protein change: p.Thr294Ile; replaces threonine 294 with isoleucine.
Molecular consequence: missense variant.
Genome position (GRCh38, 1-based): chr18:36,200,264, C>T. VCF-style: chr18-36200264-C-T. GRCh37 (hg19) VCF-style: chr18-33780227-C-T.
Other names: c.881C>T (NM_017947.2); short protein forms T294I.
Identifiers: ClinVar variation 1391044 (VCV001391044.9), dbSNP rs577279030, ClinGen allele CA8940531.
Genomic context (GRCh38, chr18:36,200,264, plus strand): 5'-CTCTGCTGGTCCATAATCGTGCGGCTCCTCTACTGAGGAAGACCTACTTTGGAGGAGGGA[C>T]AGCCTCTGCGTACCTAGCAGGAGAAGACTTCTACATCCCGAGGCAGTCGGTAGCTCAGAG-3'
Protein context (NP_060417.4, residues 284-304): LLRKTYFGGG[Thr294Ile]ASAYLAGEDF

ClinVar aggregate classification (germline): Uncertain significance. Review status: criteria provided, multiple submitters, no conflicts (2 of 4 stars). 2 submissions from 2 submitters: Uncertain significance (2). Last evaluated 2025-03-12.

Conditions:
Xanthinuria type II. Also called: Xanthine dehydrogenase and aldehyde oxidase combined deficiency of; XDH and AOX dual deficiency. Identifiers: Orphanet 3467, Orphanet 93602, MedGen C1863688, MONDO:0011346, OMIM 603592.
MOCOS-related disorder. Also called: MOCOS-related condition.

Allele frequency attached by ClinVar (database versions not stated): ExAC 0.00001; gnomAD exomes 0.00001 and 0.00002; TOPMed 0.00003; gnomAD 0.00004.
gnomAD v4.1: 35 of 1,614,054 alleles (0.0022%); highest among the groups gnomAD compares: Non-Finnish European, 0.0029%; no homozygotes.

Submissions (2):

PreventionGenetics, part of Exact Sciences
Classification: Uncertain significance for MOCOS-related condition. Last evaluated: 2025-03-12. Review status: criteria provided, single submitter. Criteria: ACMG Guidelines, 2015. Collection method: clinical testing. Allele origin: germline.
Comment: The MOCOS c.881C>T variant is predicted to result in the amino acid substitution p.Thr294Ile. This variant has been reported in an individual with classical xanthinuria (Peretz et al. 2020. PubMed ID: 32071838). However, further evidence of pathogenicity was not provided. This variant is reported in 0.0047% of alleles in individuals of European (Non-Finnish) descent in gnomAD. At this time, the clinical significance of this variant is uncertain due to the absence of conclusive functional and genetic evidence.

Labcorp Genetics (formerly Invitae), Labcorp
Classification: Uncertain significance for Xanthinuria type II. Last evaluated: 2021-05-04. Review status: criteria provided, single submitter. Criteria: Invitae Variant Classification Sherloc (09022015). Collection method: clinical testing. Allele origin: germline.
Comment: In summary, the available evidence is currently insufficient to determine the role of this variant in disease. Therefore, it has been classified as a Variant of Uncertain Significance. Algorithms developed to predict the effect of missense changes on protein structure and function are either unavailable or do not agree on the potential impact of this missense change (SIFT: "Deleterious"; PolyPhen-2: "Probably Damaging"; Align-GVGD: "Class C0"). This sequence change replaces threonine with isoleucine at codon 294 of the MOCOS protein (p.Thr294Ile). The threonine residue is highly conserved and there is a moderate physicochemical difference between threonine and isoleucine. This variant is present in population databases (rs577279030, ExAC 0.002%). This variant has not been reported in the literature in individuals with MOCOS-related conditions.